The following is an entry in ClinVar:

NM_024422.6(DSC2):c.1776G>A (p.Ala592=)

Gene: DSC2 (desmocollin 2; minus strand). Cytogenetic location: 18q12.1.
Variant type: single nucleotide variant.
Coding change: c.1776G>A on transcript NM_024422.6 (MANE Select); coding-DNA position 1776, G replaced by A.
Protein change: p.Ala592=; no amino-acid change (alanine 592 retained).
Molecular consequence: synonymous variant.
Genome position (GRCh38, 1-based): chr18:31,074,795, C>T on the plus strand (G>A on the coding strand, the complement: DSC2 is on the minus strand). VCF-style: chr18-31074795-C-T. GRCh37 (hg19) VCF-style: chr18-28654761-C-T.
Other names: c.1776G>A, p.Ala592= (NM_004949.5).
Identifiers: ClinVar variation 163183 (VCV000163183.26), dbSNP rs727502980, ClinGen allele CA022561.

ClinVar aggregate classification (germline): Likely benign. Review status: criteria provided, multiple submitters, no conflicts (2 of 4 stars). 8 submissions from 8 submitters: Likely benign (8). Last evaluated 2025-11-09.

Conditions:
Cardiovascular phenotype. Identifiers: MedGen CN230736.
Familial isolated arrhythmogenic right ventricular dysplasia. Identifiers: Orphanet 217656, MedGen C4274968, MONDO:0016342.
Cardiomyopathy (CMYO). Also called: Cardiomyopathies. Identifiers: Orphanet 167848, MedGen C0878544, MONDO:0004994, HP:0001638. Inheritance: Various modes of inheritance.
Arrhythmogenic right ventricular dysplasia 11. Also called: Arrhythmogenic Right Ventricular Dysplasia/Cardiomyopathy11; Arrhythmogenic right ventricular dysplasia 11 with mild palmoplantar keratoderma and woolly hair; ARRHYTHMOGENIC RIGHT VENTRICULAR DYSPLASIA, FAMILIAL, 11. Identifiers: MedGen C1864850, MONDO:0012506, OMIM 610476.

Allele frequency attached by ClinVar (database versions not stated): TOPMed 0.00003; gnomAD 0.00004; gnomAD exomes 0.00007; ExAC 0.00008.

Submissions (8):

Labcorp Genetics (formerly Invitae), Labcorp
Classification: Likely benign for Arrhythmogenic right ventricular dysplasia 11. Last evaluated: 2025-11-09. Review status: criteria provided, single submitter. Criteria: Invitae Variant Classification Sherloc (09022015). Collection method: clinical testing. Allele origin: germline.

Ambry Genetics
Classification: Likely benign for Cardiovascular phenotype. Last evaluated: 2025-01-09. Review status: criteria provided, single submitter. Criteria: Ambry Variant Classification Scheme 2023. Collection method: clinical testing. Allele origin: germline.

All of Us Research Program, National Institutes of Health
Classification: Likely benign for Familial isolated arrhythmogenic right ventricular dysplasia. Last evaluated: 2024-09-23. Review status: criteria provided, single submitter. Criteria: ACMG Guidelines, 2015. Collection method: clinical testing. Allele origin: germline. Inheritance: Autosomal dominant inheritance. Observed: 5 variant alleles, 5 heterozygotes.
Comment: This study involves interpretation of variants in research participants for the purpose of population health screening. Participant phenotype was not available at the time of variant classification. Additional details can be found in publication PMID: 35346344, PMCID: PMC8962531

Blueprint Genetics
Classification: Likely benign. Last evaluated: 2024-01-10. Review status: criteria provided, single submitter. Criteria: ACMG Guidelines, 2015. Collection method: clinical testing. Allele origin: germline.

GeneDx
Classification: Likely benign. Last evaluated: 2021-02-04. Review status: criteria provided, single submitter. Criteria: GeneDx Variant Classification Process June 2021. Collection method: clinical testing. Allele origin: germline. Affected: yes.

Color Diagnostics, LLC DBA Color Health
Classification: Likely benign for Cardiomyopathy. Last evaluated: 2018-11-25. Review status: criteria provided, single submitter. Criteria: ACMG Guidelines, 2015. Collection method: clinical testing. Allele origin: germline.

CHEO Genetics Diagnostic Laboratory, Children's Hospital of Eastern Ontario
Classification: Likely benign for Cardiomyopathy. Last evaluated: 2016-08-05. Review status: criteria provided, single submitter. Criteria: ACMG Guidelines, 2015. Collection method: clinical testing. Allele origin: germline. Study: Canadian Open Genetics Repository.

Laboratory for Molecular Medicine, Mass General Brigham Personalized Medicine
Classification: Likely benign. Last evaluated: 2014-07-03. Review status: criteria provided, single submitter. Criteria: LMM Criteria. Collection method: clinical testing. Allele origin: germline. Observed: 1 variant allele.
Comment: p.Ala592Ala in exon 12 of DSC2: This variant is not expected to have clinical si gnificance because it does not alter an amino acid residue and is not located wi thin the splice consensus sequence.